The following is an entry in ClinVar:

NM_013275.6(ANKRD11):c.-36G>A

Genes: ANKRD11 (ankyrin repeat domain 11; minus strand), LOC128462377 (ankyrin repeat domain 11 upstream open reading frame; minus strand). Cytogenetic location: 16q24.3.
Variant type: single nucleotide variant.
Coding change: c.-36G>A on transcript NM_013275.6 (MANE Select); 36 bases upstream of the start codon, G replaced by A.
Molecular consequence: 5 prime UTR variant. On other transcripts: synonymous variant (2), non-coding transcript variant (1).
Genome position (GRCh38, 1-based): chr16:89,317,055, C>T on the plus strand (G>A on the coding strand, the complement: ANKRD11 is on the minus strand). VCF-style: chr16-89317055-C-T. GRCh37 (hg19) VCF-style: chr16-89383463-C-T.
Other names: c.30G>A, p.Pro10= (NM_001416403.1); c.33G>A, p.Pro11= (NM_001417603.1); c.-36G>A (NM_001256182.2, NM_001256183.2).
Identifiers: ClinVar variation 2987895 (VCV002987895.3), dbSNP rs763022531, ClinGen allele CA8243303.

ClinVar aggregate classification (germline): Uncertain significance (1 of 4 stars; one submission).

Conditions:
KBG syndrome (KBGS). Also called: ANKRD11-Related KBG Syndrome. Identifiers: Orphanet 2332, MedGen C0220687, MONDO:0007846, OMIM 148050.

Allele frequency attached by ClinVar (database versions not stated): ExAC 0.00001; TOPMed 0.00005.
gnomAD v4.1: 17 of 1,597,834 alleles (0.0011%); highest among the groups gnomAD compares: East Asian, 0.014%; no homozygotes.

Submission:

Labcorp Genetics (formerly Invitae), Labcorp
Classification: Uncertain significance for KBG syndrome. Last evaluated: 2024-02-15. Review status: criteria provided, single submitter. Criteria: Invitae Variant Classification Sherloc (09022015). Collection method: clinical testing. Allele origin: germline.
Comment: This variant occurs in a non-coding region of the ANKRD11 gene. It does not change the encoded amino acid sequence of the ANKRD11 protein. The frequency data for this variant in the population databases is considered unreliable, as metrics indicate poor data quality at this position in the gnomAD database. This variant has not been reported in the literature in individuals affected with ANKRD11-related conditions. In summary, the available evidence is currently insufficient to determine the role of this variant in disease. Therefore, it has been classified as a Variant of Uncertain Significance.